The following is an entry in ClinVar:

ClinVar aggregate classification (germline): Uncertain significance (1 of 4 stars; one submission).

Submission:

GeneDx
Classification: Uncertain significance. Last evaluated: 2024-12-26. Review status: criteria provided, single submitter. Criteria: GeneDx Variant Classification Process June 2021. Collection method: clinical testing. Allele origin: germline. Affected: yes.
Comment: Not observed at significant frequency in large population cohorts (gnomAD); In silico analysis indicates that this missense variant does not alter protein structure/function; Has not been previously published as pathogenic or benign to our knowledge

NM_005618.4(DLL1):c.1703G>C (p.Cys568Ser)

Gene: DLL1 (delta like canonical Notch ligand 1; minus strand). Cytogenetic location: 6q27.
Variant type: single nucleotide variant.
Coding change: c.1703G>C on transcript NM_005618.4 (MANE Select); coding-DNA position 1703, G replaced by C.
Protein change: p.Cys568Ser; replaces cysteine 568 with serine.
Molecular consequence: missense variant.
Genome position (GRCh38, 1-based): chr6:170,283,576, C>G on the plus strand (G>C on the coding strand, the complement: DLL1 is on the minus strand). VCF-style: chr6-170283576-C-G. GRCh37 (hg19) VCF-style: chr6-170592664-C-G.
Other names: short protein forms C568S.
Identifiers: ClinVar variation 3907889 (VCV003907889.1).